The following is an entry in ClinVar:

NM_001127222.2(CACNA1A):c.1373A>T (p.Lys458Ile)

Gene: CACNA1A (calcium voltage-gated channel subunit alpha1 A; minus strand). Cytogenetic location: 19p13.13.
Variant type: single nucleotide variant.
Coding change: c.1373A>T on transcript NM_001127222.2 (MANE Select); coding-DNA position 1373, A replaced by T.
Protein change: p.Lys458Ile; replaces lysine 458 with isoleucine.
Molecular consequence: missense variant.
Genome position (GRCh38, 1-based): chr19:13,317,294, T>A on the plus strand (A>T on the coding strand, the complement: CACNA1A is on the minus strand). VCF-style: chr19-13317294-T-A. GRCh37 (hg19) VCF-style: chr19-13428108-T-A.
Other names: c.1376A>T, p.Lys459Ile (NM_000068.4, NM_001127221.2, NM_001174080.2 and 1 more transcripts); short protein forms K458I, K459I.
Identifiers: ClinVar variation 2162105 (VCV002162105.4), dbSNP rs1239292406, ClinGen allele CA404345958.
Genomic context (GRCh38, chr19:13,317,294, plus strand): 5'-TAGAAACGCATCCTCCTCTCCTTTTTGTGAAAAAAGGTCGAGTTCTCCAGCTTGGCACTT[T>A]TAATGCTGGCTCGGGCGAAGGGAGAACCTGCCAGGGAAAAGATGGAGAATGTCAGGCTCA-3'
Protein context (NP_001120694.1, residues 448-468): VGSPFARASI[Lys458Ile]SAKLENSTFF

ClinVar aggregate classification (germline): Uncertain significance (1 of 4 stars; one submission).

Conditions:
Developmental and epileptic encephalopathy, 42 (DEE42A). Also called: DEVELOPMENTAL AND EPILEPTIC ENCEPHALOPATHY 42A; EPILEPTIC ENCEPHALOPATHY, EARLY INFANTILE, 42A; Epileptic encephalopathy, early infantile, 42. Identifiers: MedGen C4310716, MONDO:0014917, OMIM 617106.
Episodic ataxia type 2 (EA2). Also called: ATAXIA, EPISODIC, WITH NYSTAGMUS; ATAXIA, FAMILIAL PAROXYSMAL; CEREBELLAR ATAXIA, PAROXYSMAL, ACETAZOLAMIDE-RESPONSIVE; CEREBELLOPATHY, HEREDITARY PAROXYSMAL; EPISODIC ATAXIA, NYSTAGMUS-ASSOCIATED; ACETAZOLAMIDE-RESPONSIVE HEREDITARY PAROXYSMAL CEREBELLAR ATAXIA. Identifiers: Orphanet 97, MedGen C1720416, MONDO:0007163, OMIM 108500.

gnomAD v4.1: 2 of 1,608,238 alleles (0.00012%); highest among the groups gnomAD compares: Non-Finnish European, 0.00017%; no homozygotes.

Submission:

Labcorp Genetics (formerly Invitae), Labcorp
Classification: Uncertain significance for Developmental and epileptic encephalopathy, 42; Episodic ataxia type 2. Last evaluated: 2022-02-12. Review status: criteria provided, single submitter. Criteria: Invitae Variant Classification Sherloc (09022015). Collection method: clinical testing. Allele origin: germline.
Comment: This sequence change replaces lysine, which is basic and polar, with isoleucine, which is neutral and non-polar, at codon 459 of the CACNA1A protein (p.Lys459Ile). This variant is present in population databases (no rsID available, gnomAD 0.007%). This variant has not been reported in the literature in individuals affected with CACNA1A-related conditions. Advanced modeling of protein sequence and biophysical properties (such as structural, functional, and spatial information, amino acid conservation, physicochemical variation, residue mobility, and thermodynamic stability) performed at Invitae indicates that this missense variant is expected to disrupt CACNA1A protein function. In summary, the available evidence is currently insufficient to determine the role of this variant in disease. Therefore, it has been classified as a Variant of Uncertain Significance.